The following is an entry in ClinVar:

ClinVar aggregate classification (germline): Benign/Likely benign. Review status: criteria provided, multiple submitters, no conflicts (2 of 4 stars). 9 submissions from 9 submitters: Benign (6); Likely benign (2). 1 of the submissions does not count toward it. Last evaluated 2026-09-01.

Conditions:
Congenital myasthenic syndrome 14. Also called: Myasthenic syndrome, congenital, 14, with tubular aggregates. Identifiers: Orphanet 353327, Orphanet 590, MedGen C4015597, MONDO:0014543, OMIM 616228.
Congenital disorder of glycosylation, type Ii. Also called: ALG2-CDG; CDG Ii; ALG2-congenital disorder of glycosylation. Identifiers: Orphanet 79326, MedGen C1842836, MONDO:0011933, OMIM 607906.
ALG2-related disorder. Also called: ALG2-related condition.

Allele frequency attached by ClinVar (database versions not stated): gnomAD 0.00918; TOPMed 0.00659; 1000 Genomes Project 0.00260; 1000 Genomes Project 30x 0.00281; ESP Exome Variant Server 0.00563; gnomAD exomes 0.00684; ExAC 0.00938.
gnomAD v4.1: 16,264 of 1,588,892 alleles (1%); highest among the groups gnomAD compares: Non-Finnish European, 1.2%; 104 homozygotes.

Submissions (9):

CeGaT Center for Human Genetics Tuebingen
Classification: Benign. Last evaluated: 2026-09-01. Review status: criteria provided, single submitter. Criteria: CeGaT Center For Human Genetics Tuebingen Variant Classification Criteria Version 2. Collection method: clinical testing. Allele origin: germline. Affected: yes. Observed: 18 variant alleles.
Comment: ALG2: BP4, BS1, BS2

Labcorp Genetics (formerly Invitae), Labcorp
Classification: Benign for Congenital disorder of glycosylation, type Ii; Congenital myasthenic syndrome 14. Last evaluated: 2026-02-01. Review status: criteria provided, single submitter. Criteria: Invitae Variant Classification Sherloc (09022015). Collection method: clinical testing. Allele origin: germline.

Fulgent Genetics
Classification: Benign for Congenital disorder of glycosylation, type Ii; Congenital myasthenic syndrome 14. Last evaluated: 2021-07-02. Review status: criteria provided, single submitter. Criteria: ACMG Guidelines, 2015. Collection method: clinical testing. Allele origin: unknown.

Mayo Clinic Laboratories, Mayo Clinic
Classification: Benign. Last evaluated: 2021-06-02. Review status: criteria provided, single submitter. Criteria: ACMG Guidelines, 2015. Collection method: clinical testing. Allele origin: germline. Observed: 10 variant alleles.

Center for Pediatric Genomic Medicine, Children's Mercy Hospital and Clinics
Classification: Likely benign. Last evaluated: 2017-08-29. Review status: criteria provided, single submitter. Criteria: ACMG Guidelines, 2015. Collection method: clinical testing. Allele origin: germline.

GeneDx
Classification: Benign. Last evaluated: 2017-05-22. Review status: criteria provided, single submitter. Criteria: GeneDx Variant Classification (06012015). Collection method: clinical testing. Allele origin: germline. Affected: yes.
Comment: This variant is considered likely benign or benign based on one or more of the following criteria: it is a conservative change, it occurs at a poorly conserved position in the protein, it is predicted to be benign by multiple in silico algorithms, and/or has population frequency not consistent with disease.

Eurofins Ntd Llc (ga)
Classification: Benign. Last evaluated: 2014-03-10. Review status: criteria provided, single submitter. Criteria: EGL Classification Definitions 2015. Collection method: clinical testing. Allele origin: germline. Observed: 2 variant alleles, 2 heterozygotes.

Breakthrough Genomics
Classification: Likely benign. Review status: criteria provided, single submitter. Criteria: ACMG Guidelines, 2015. Collection method: not provided. Allele origin: germline. Inheritance: Autosomal recessive inheritance. Affected: yes.

PreventionGenetics, part of Exact Sciences
Classification: Benign for ALG2-related condition. Last evaluated: 2019-12-03. Review status: no assertion criteria provided. Collection method: clinical testing. Allele origin: germline. Not counted in ClinVar's aggregate classification.
Comment: This variant is classified as benign based on ACMG/AMP sequence variant interpretation guidelines (Richards et al. 2015 PMID: 25741868, with internal and published modifications).

NM_033087.4(ALG2):c.17G>C (p.Gly6Ala)

Gene: ALG2 (ALG2 alpha-1,3/1,6-mannosyltransferase; minus strand). Cytogenetic location: 9q22.33.
Variant type: single nucleotide variant.
Coding change: c.17G>C on transcript NM_033087.4 (MANE Select); coding-DNA position 17, G replaced by C.
Protein change: p.Gly6Ala; replaces glycine 6 with alanine.
Molecular consequence: missense variant. On other transcripts: non-coding transcript variant (1).
Genome position (GRCh38, 1-based): chr9:99,221,878, C>G on the plus strand (G>C on the coding strand, the complement: ALG2 is on the minus strand). VCF-style: chr9-99221878-C-G. GRCh37 (hg19) VCF-style: chr9-101984160-C-G.
Other names: short protein forms G6A.
Identifiers: ClinVar variation 166675 (VCV000166675.42), dbSNP rs180849348, ClinGen allele CA179728.
Genomic context (GRCh38, chr9:99,221,878, plus strand): 5'-ACGCCCAGGTCTGGGTGGAGGAACAGCACCGACGGCTTGGGAACCGAGTCCCGTTCCCGG[C>G]CCTGCTCCTCCGCCATGGCCCTGGAGCCGCAACTGCACCCCGCACCCTGATGGGGGTCTT-3'
Protein context (NP_149078.1, residues 1-16): MAEEQ[Gly6Ala]RERDSVPKPS